The following is an entry in ClinVar:

ClinVar aggregate classification (germline): Uncertain significance. Review status: criteria provided, multiple submitters, no conflicts (2 of 4 stars). 3 submissions from 3 submitters: Uncertain significance (2). 1 of the submissions does not count toward it. Last evaluated 2025-07-04.

Conditions:
Inborn genetic diseases. Identifiers: MedGen C0950123, MeSH D030342.
Kostmann syndrome (SCN3). Also called: KOSTMANN DISEASE; Autosomal recessive severe congenital neutropenia type 3. Identifiers: Orphanet 99749, MedGen C5235141, MONDO:0012548, OMIM 610738.

Allele frequency attached by ClinVar (database versions not stated): gnomAD exomes 0.00001; TOPMed 0.00002.

Submissions (3):

Ambry Genetics
Classification: Uncertain significance for Inborn genetic diseases. Last evaluated: 2025-07-04. Review status: criteria provided, single submitter. Criteria: Ambry Variant Classification Scheme 2023. Collection method: clinical testing. Allele origin: germline.
Comment: The p.V191I variant (also known as c.571G>A), located in coding exon 5 of the HAX1 gene, results from a G to A substitution at nucleotide position 571. The valine at codon 191 is replaced by isoleucine, an amino acid with highly similar properties. This amino acid position is conserved. In addition, the in silico prediction for this alteration is inconclusive. Based on the available evidence, the clinical significance of this variant remains unclear.

Labcorp Genetics (formerly Invitae), Labcorp
Classification: Uncertain significance for Kostmann syndrome. Last evaluated: 2024-10-24. Review status: criteria provided, single submitter. Criteria: Invitae Variant Classification Sherloc (09022015). Collection method: clinical testing. Allele origin: germline.
Comment: This sequence change replaces valine, which is neutral and non-polar, with isoleucine, which is neutral and non-polar, at codon 191 of the HAX1 protein (p.Val191Ile). This variant is present in population databases (no rsID available, gnomAD 0.0009%). This variant has not been reported in the literature in individuals affected with HAX1-related conditions. ClinVar contains an entry for this variant (Variation ID: 999276). Invitae Evidence Modeling of protein sequence and biophysical properties (such as structural, functional, and spatial information, amino acid conservation, physicochemical variation, residue mobility, and thermodynamic stability) indicates that this missense variant is not expected to disrupt HAX1 protein function with a negative predictive value of 80%. In summary, the available evidence is currently insufficient to determine the role of this variant in disease. Therefore, it has been classified as a Variant of Uncertain Significance.

Natera, Inc.
Classification: Uncertain significance for Autosomal recessive severe congenital neutropenia type 3. Last evaluated: 2021-03-24. Review status: no assertion criteria provided. Collection method: clinical testing. Allele origin: germline. Not counted in ClinVar's aggregate classification.

NM_006118.4(HAX1):c.571G>A (p.Val191Ile)

Gene: HAX1 (HCLS1 associated protein X-1; plus strand). Cytogenetic location: 1q21.3.
Variant type: single nucleotide variant.
Coding change: c.571G>A on transcript NM_006118.4 (MANE Select); coding-DNA position 571, G replaced by A.
Protein change: p.Val191Ile; replaces valine 191 with isoleucine.
Molecular consequence: missense variant.
Genome position (GRCh38, 1-based): chr1:154,275,168, G>A. VCF-style: chr1-154275168-G-A. GRCh37 (hg19) VCF-style: chr1-154247644-G-A.
Other names: c.427G>A, p.Val143Ile (NM_001018837.2); c.571G>A (NM_006118.3); short protein forms V143I, V191I.
Identifiers: ClinVar variation 999276 (VCV000999276.7), dbSNP rs1024291441, ClinGen allele CA30771083.